The following is an entry in ClinVar:

ClinVar aggregate classification (germline): Benign (1 of 4 stars; one submission).

Conditions:
Fraser syndrome 2 (FRASRS2). Identifiers: MedGen C4540036, MONDO:0054738, OMIM 617666.

Allele frequency attached by ClinVar (database versions not stated): gnomAD 0.01434 and 0.01542; TOPMed 0.01471; 1000 Genomes Project 0.01637; 1000 Genomes Project 30x 0.01780.

Submission:

Illumina Laboratory Services, Illumina
Classification: Benign for Fraser syndrome 2. Last evaluated: 2018-01-13. Review status: criteria provided, single submitter. Criteria: ICSL Variant Classification Criteria 13 December 2019. Collection method: clinical testing. Allele origin: germline.
Comment: This variant was observed in the ICSL laboratory as part of a predisposition screen in an ostensibly healthy population. It had not been previously curated by ICSL or reported in the Human Gene Mutation Database (HGMD: prior to June 1st, 2018), and was therefore a candidate for classification through an automated scoring system. Utilizing variant allele frequency, disease prevalence and penetrance estimates, and inheritance mode, an automated score was calculated to assess if this variant is too frequent to cause the disease. Based on the score and internal cut-off values, a variant classified as benign is not then subjected to further curation. The score for this variant resulted in a classification of benign for this disease.

NM_207361.6(FREM2):c.*3929G>T

Gene: FREM2 (FRAS1 related extracellular matrix 2; plus strand). Cytogenetic location: 13q13.3.
Variant type: single nucleotide variant.
Coding change: c.*3929G>T on transcript NM_207361.6 (MANE Select); 3929 bases downstream of the stop codon, G replaced by T.
Molecular consequence: 3 prime UTR variant.
Genome position (GRCh38, 1-based): chr13:38,884,716, G>T. VCF-style: chr13-38884716-G-T. GRCh37 (hg19) VCF-style: chr13-39458853-G-T.
Identifiers: ClinVar variation 312085 (VCV000312085.5), dbSNP rs79571295, ClinGen allele CA10644460.